The following is an entry in ClinVar:

NM_033118.4(MYLK2):c.1538C>A (p.Ala513Asp)

Gene: MYLK2 (myosin light chain kinase 2; plus strand). Cytogenetic location: 20q11.21.
Variant type: single nucleotide variant.
Coding change: c.1538C>A on transcript NM_033118.4 (MANE Select); coding-DNA position 1538, C replaced by A.
Protein change: p.Ala513Asp; replaces alanine 513 with aspartic acid.
Molecular consequence: missense variant.
Genome position (GRCh38, 1-based): chr20:31,831,816, C>A. VCF-style: chr20-31831816-C-A. GRCh37 (hg19) VCF-style: chr20-30419619-C-A.
Other names: short protein forms A513D.
Identifiers: ClinVar variation 2117833 (VCV002117833.4), dbSNP rs2515461145, ClinGen allele CA408528114.

ClinVar aggregate classification (germline): Uncertain significance (1 of 4 stars; one submission).

Conditions:
Hypertrophic cardiomyopathy 1 (CMH1). Also called: MYH7-Related Familial Hypertrophic Cardiomyopathy; Familial hypertrophic cardiomyopathy 1. Identifiers: MedGen C3495498, MONDO:0008647, OMIM 192600.

Submission:

Labcorp Genetics (formerly Invitae), Labcorp
Classification: Uncertain significance for Hypertrophic cardiomyopathy 1. Last evaluated: 2022-03-26. Review status: criteria provided, single submitter. Criteria: Invitae Variant Classification Sherloc (09022015). Collection method: clinical testing. Allele origin: germline.
Comment: In summary, the available evidence is currently insufficient to determine the role of this variant in disease. Therefore, it has been classified as a Variant of Uncertain Significance. Algorithms developed to predict the effect of missense changes on protein structure and function (SIFT, PolyPhen-2, Align-GVGD) all suggest that this variant is likely to be disruptive. This variant has not been reported in the literature in individuals affected with MYLK2-related conditions. This variant is not present in population databases (gnomAD no frequency). This sequence change replaces alanine, which is neutral and non-polar, with aspartic acid, which is acidic and polar, at codon 513 of the MYLK2 protein (p.Ala513Asp).